The following is an entry in ClinVar:

NM_004006.3(DMD):c.6213_6219del (p.Arg2071fs)

Gene: DMD (dystrophin; minus strand). Cytogenetic location: Xp21.1.
Variant type: Deletion.
Coding change: c.6213_6219del on transcript NM_004006.3 (MANE Select); coding-DNA positions 6213 to 6219, 7 bases deleted (GGTGAAG; older notation c.6213_6219delGGTGAAG).
Protein change: p.Arg2071fs; shifts the reading frame from arginine 2071.
Molecular consequence: frameshift variant.
Genome position (GRCh38, 1-based): chrX:32,287,600-32,287,606, CTTCACC deleted on the plus strand (GGTGAAG on the coding strand, the reverse complement: DMD is on the minus strand); deleting any 7 consecutive bases within chrX:32,287,600-32,287,609 gives the same sequence; the c. name uses the placement nearest the transcript's 3' end. VCF-style (leftmost placement, unchanged base first): chrX-32287599-GCTTCACC-G. GRCh37 (hg19) VCF-style: chrX-32305716-GCTTCACC-G.
Other names: c.6189_6195del, p.Arg2063fs (NM_000109.4); c.6201_6207del, p.Arg2067fs (NM_004009.3); c.5844_5850del, p.Arg1948fs (NM_004010.3); c.2190_2196del, p.Arg730fs (NM_004011.4); c.2181_2187del, p.Arg727fs (NM_004012.4); short protein forms R2071fs, R727fs, R730fs, R1948fs, R2063fs, R2067fs.
Identifiers: ClinVar variation 1452151 (VCV001452151.6), dbSNP rs2148457026, ClinGen allele CA2573158660.

ClinVar aggregate classification (germline): Pathogenic (1 of 4 stars; one submission).

Conditions:
Duchenne muscular dystrophy (DMD). Also called: Duchenne Muscular Dystrophy (DMD); MUSCULAR DYSTROPHY, PSEUDOHYPERTROPHIC PROGRESSIVE, DUCHENNE TYPE. Identifiers: Orphanet 98896, MedGen C0013264, MONDO:0010679, OMIM 310200.

Submission:

Labcorp Genetics (formerly Invitae), Labcorp
Classification: Pathogenic for Duchenne muscular dystrophy. Last evaluated: 2021-10-31. Review status: criteria provided, single submitter. Criteria: Invitae Variant Classification Sherloc (09022015). Collection method: clinical testing. Allele origin: germline.
Comment: This sequence change creates a premature translational stop signal (p.Arg2071Serfs*41) in the DMD gene. It is expected to result in an absent or disrupted protein product. Loss-of-function variants in DMD are known to be pathogenic (PMID: 16770791, 25007885). This variant is not present in population databases (gnomAD no frequency). This variant has not been reported in the literature in individuals affected with DMD-related conditions. For these reasons, this variant has been classified as Pathogenic.

Literature cited by the submitters: PubMed 16770791; PubMed 25007885.